The following is an entry in ClinVar:

ClinVar aggregate classification (germline): Uncertain significance (1 of 4 stars; one submission).

Allele frequency attached by ClinVar (database versions not stated): ExAC 0.00001; gnomAD 0.00003; gnomAD exomes below 0.00001; TOPMed 0.00002.
gnomAD v4.1: 4 of 1,611,346 alleles (0.00025%); highest among the groups gnomAD compares: African/African-American, 0.0053%; no homozygotes.

Submission:

GeneDx
Classification: Uncertain significance. Last evaluated: 2019-08-23. Review status: criteria provided, single submitter. Criteria: GeneDx Variant Classification Process June 2021. Collection method: clinical testing. Allele origin: germline. Affected: yes.
Comment: In silico analysis, which includes protein predictors and evolutionary conservation, supports that this variant does not alter protein structure/function; Has not been previously published as pathogenic or benign to our knowledge

NM_181426.2(CCDC39):c.1811A>G (p.Lys604Arg)

Gene: CCDC39 (coiled-coil domain 39 molecular ruler complex subunit; minus strand). Cytogenetic location: 3q26.33.
Variant type: single nucleotide variant.
Coding change: c.1811A>G on transcript NM_181426.2 (MANE Select); coding-DNA position 1811, A replaced by G.
Protein change: p.Lys604Arg; replaces lysine 604 with arginine.
Molecular consequence: missense variant.
Genome position (GRCh38, 1-based): chr3:180,642,056, T>C on the plus strand (A>G on the coding strand, the complement: CCDC39 is on the minus strand). VCF-style: chr3-180642056-T-C. GRCh37 (hg19) VCF-style: chr3-180359844-T-C.
Other names: short protein forms K604R.
Identifiers: ClinVar variation 1304849 (VCV001304849.2), dbSNP rs754728113, ClinGen allele CA2715867.